The following is an entry in ClinVar:

NM_001372051.1(CASP8):c.306-1918T>C

Gene: CASP8 (caspase 8; plus strand). Cytogenetic location: 2q33.1.
Variant type: single nucleotide variant.
Coding change: c.306-1918T>C on transcript NM_001372051.1 (MANE Select); 1918 bases into the intron before coding-DNA position 306, T replaced by C.
Molecular consequence: intron variant. On other transcripts: synonymous variant (1).
Genome position (GRCh38, 1-based): chr2:201,269,598, T>C. VCF-style: chr2-201269598-T-C. GRCh37 (hg19) VCF-style: chr2-202134321-T-C.
Other names: p.Leu132=; c.394T>C, p.Leu132= (NM_001228.5); c.306-1918T>C (NM_001400651.1, NM_001400663.1, NM_001400657.1 and 20 more transcripts); c.-227-1918T>C (NM_001400677.1, NM_001400750.1, NM_001400751.1 and 6 more transcripts); c.-4-1918T>C (NM_001400669.1); c.-306-1918T>C (NM_001400680.1); c.483-1918T>C (NM_001080125.2, NM_001400642.1, NM_001400665.1); c.-408-1918T>C (NM_001400674.1).
Identifiers: ClinVar variation 333497 (VCV000333497.25), dbSNP rs11897628, ClinGen allele CA2053514.

ClinVar aggregate classification (germline): Benign/Likely benign. Review status: criteria provided, multiple submitters, no conflicts (2 of 4 stars). 9 submissions from 9 submitters: Benign (3); Likely benign (4). 2 of the submissions do not count toward it. Last evaluated 2026-03-01.

Conditions:
Autoimmune lymphoproliferative syndrome type 2B. Also called: AUTOIMMUNE LYMPHOPROLIFERATIVE SYNDROME, TYPE IIB. Identifiers: Orphanet 275517, MedGen C1846545, MONDO:0011804, OMIM 607271.

Allele frequency attached by ClinVar (database versions not stated): gnomAD exomes 0.00032 and 0.00078; ExAC 0.00107; ESP Exome Variant Server 0.00337; 1000 Genomes Project 0.00359; TOPMed 0.00368; gnomAD 0.00396 and 0.00421; 1000 Genomes Project 30x 0.00422.
gnomAD v4.1: 1,090 of 1,610,734 alleles (0.068%); highest among the groups gnomAD compares: African/African-American, 1.3%; 2 homozygotes.

Submissions (9):

CeGaT Center for Human Genetics Tuebingen
Classification: Likely benign. Last evaluated: 2026-03-01. Review status: criteria provided, single submitter. Criteria: CeGaT Center For Human Genetics Tuebingen Variant Classification Criteria Version 2. Collection method: clinical testing. Allele origin: germline. Affected: yes. Observed: 1 variant allele.
Comment: CASP8: BP4, BP7, BS1

Labcorp Genetics (formerly Invitae), Labcorp
Classification: Benign for Autoimmune lymphoproliferative syndrome type 2B. Last evaluated: 2026-01-25. Review status: criteria provided, single submitter. Criteria: Invitae Variant Classification Sherloc (09022015). Collection method: clinical testing. Allele origin: germline.

Women's Health and Genetics/Laboratory Corporation of America, LabCorp
Classification: Likely benign. Last evaluated: 2026-01-22. Review status: criteria provided, single submitter. Criteria: LabCorp Variant Classification Summary - May 2015. Collection method: clinical testing. Allele origin: germline.

Mayo Clinic Laboratories, Mayo Clinic
Classification: Likely benign. Last evaluated: 2025-02-16. Review status: criteria provided, single submitter. Criteria: ACMG Guidelines, 2015. Collection method: clinical testing. Allele origin: germline. Observed: 3 variant alleles.
Comment: BS1, BP4, BP7

Blueprint Genetics
Classification: Benign. Last evaluated: 2024-08-06. Review status: criteria provided, single submitter. Criteria: ACMG Guidelines, 2015. Collection method: clinical testing. Allele origin: germline.

GeneDx
Classification: Likely benign. Last evaluated: 2019-04-24. Review status: criteria provided, single submitter. Criteria: GeneDx Variant Classification Process June 2021. Collection method: clinical testing. Allele origin: germline. Affected: yes.

Illumina Laboratory Services, Illumina
Classification: Benign for Autoimmune lymphoproliferative syndrome type 2B. Last evaluated: 2018-01-12. Review status: criteria provided, single submitter. Criteria: ICSL Variant Classification Criteria 13 December 2019. Collection method: clinical testing. Allele origin: germline.
Comment: This variant was observed in the ICSL laboratory as part of a predisposition screen in an ostensibly healthy population. It had not been previously curated by ICSL or reported in the Human Gene Mutation Database (HGMD: prior to June 1st, 2018), and was therefore a candidate for classification through an automated scoring system. Utilizing variant allele frequency, disease prevalence and penetrance estimates, and inheritance mode, an automated score was calculated to assess if this variant is too frequent to cause the disease. Based on the score and internal cut-off values, a variant classified as benign is not then subjected to further curation. The score for this variant resulted in a classification of benign for this disease.

Clinical Genetics DNA and cytogenetics Diagnostics Lab, Erasmus MC, Erasmus Medical Center
Classification: Benign. Review status: no assertion criteria provided. Collection method: clinical testing. Allele origin: germline. Affected: yes. Study: VKGL Data-share Consensus. Not counted in ClinVar's aggregate classification.

Genome Diagnostics Laboratory, University Medical Center Utrecht
Classification: Likely benign. Review status: no assertion criteria provided. Collection method: clinical testing. Allele origin: germline. Affected: yes. Study: VKGL Data-share Consensus. Not counted in ClinVar's aggregate classification.